The following is an entry in ClinVar:

NM_032608.7(MYO18B):c.6583del (p.His2195fs)

Gene: MYO18B (myosin XVIIIB; plus strand). Cytogenetic location: 22q12.1.
Variant type: Deletion.
Coding change: c.6583del on transcript NM_032608.7 (MANE Select); coding-DNA position 6583, one base deleted (C; older notation c.6583delC).
Protein change: p.His2195fs; shifts the reading frame from histidine 2195.
Molecular consequence: frameshift variant.
Genome position (GRCh38, 1-based): chr22:26,026,557, C deleted; the last of 4 consecutive C bases (chr22:26,026,554-26,026,557); deleting any one gives the same sequence. VCF-style (leftmost placement, unchanged base first): chr22-26026553-TC-T. GRCh37 (hg19) VCF-style: chr22-26422519-TC-T.
Other names: c.6586del, p.His2196fs (NM_001318245.2); short protein forms H2195fs, H2196fs.
Identifiers: ClinVar variation 4698393 (VCV004698393.1).

ClinVar aggregate classification (germline): Pathogenic (1 of 4 stars; one submission).

Submission:

Labcorp Genetics (formerly Invitae), Labcorp
Classification: Pathogenic. Last evaluated: 2025-07-13. Review status: criteria provided, single submitter. Criteria: Invitae Variant Classification Sherloc (09022015). Collection method: clinical testing. Allele origin: germline.
Comment: This sequence change creates a premature translational stop signal (p.His2195Thrfs*27) in the MYO18B gene. It is expected to result in an absent or disrupted protein product. Loss-of-function variants in MYO18B are known to be pathogenic (PMID: 25748484, 32184166, 32637634). This variant is not present in population databases (gnomAD no frequency). This variant has not been reported in the literature in individuals affected with MYO18B-related conditions. For these reasons, this variant has been classified as Pathogenic.

Literature cited by the submitters: PubMed 25748484; PubMed 32184166; PubMed 32637634.